The following is an entry in ClinVar:

ClinVar aggregate classification (germline): Uncertain significance. Review status: criteria provided, multiple submitters, no conflicts (2 of 4 stars). 2 submissions from 2 submitters: Uncertain significance (2). Last evaluated 2025-12-22.

Conditions:
Immunodeficiency, common variable, 10. Also called: IMMUNODEFICIENCY, COMMON VARIABLE, WITH CENTRAL ADRENAL INSUFFICIENCY; DEFICIT IN ANTERIOR PITUITARY FUNCTION AND VARIABLE IMMUNODEFICIENCY. Identifiers: MedGen C3809991, MONDO:0014260, OMIM 615577.

Allele frequency attached by ClinVar (database versions not stated): gnomAD exomes below 0.00001 and 0.00001; ExAC 0.00001; gnomAD 0.00003 and 0.00004; TOPMed 0.00005; 1000 Genomes Project 30x 0.00016; 1000 Genomes Project 0.00020.

Submissions (2):

Labcorp Genetics (formerly Invitae), Labcorp
Classification: Uncertain significance for Immunodeficiency, common variable, 10. Last evaluated: 2025-12-22. Review status: criteria provided, single submitter. Criteria: Invitae Variant Classification Sherloc (09022015). Collection method: clinical testing. Allele origin: germline.
Comment: This sequence change falls in intron 5 of the NFKB2 gene. It does not directly change the encoded amino acid sequence of the NFKB2 protein. It affects a nucleotide within the consensus splice site. This variant is present in population databases (rs547044500, gnomAD 0.02%). This variant has not been reported in the literature in individuals affected with NFKB2-related conditions. ClinVar contains an entry for this variant (Variation ID: 1520562). Variants that disrupt the consensus splice site are a relatively common cause of aberrant splicing (PMID: 17576681, 9536098). Algorithms developed to predict the effect of sequence changes on RNA splicing suggest that this variant is not likely to affect RNA splicing. In summary, the available evidence is currently insufficient to determine the role of this variant in disease. Therefore, it has been classified as a Variant of Uncertain Significance.

Women's Health and Genetics/Laboratory Corporation of America, LabCorp
Classification: Uncertain significance. Last evaluated: 2025-10-29. Review status: criteria provided, single submitter. Criteria: LabCorp Variant Classification Summary - May 2015. Collection method: clinical testing. Allele origin: germline.
Comment: Variant summary: NFKB2 c.243+3G>A alters a conserved nucleotide located close to a canonical splice site and therefore could affect mRNA splicing, leading to a significantly altered protein sequence. Consensus agreement among computation tools predict no significant impact on normal splicing. However, these predictions have yet to be confirmed by functional studies. The variant allele was found at a frequency of 1.2e-05 in 249506 control chromosomes. The available data on variant occurrences in the general population are insufficient to allow any conclusion about variant significance. To our knowledge, no occurrence of c.243+3G>A in individuals affected with NFKB2-related conditions and no experimental evidence demonstrating its impact on protein function have been reported. ClinVar contains an entry for this variant (Variation ID: 1520562). Based on the evidence outlined above, the variant was classified as uncertain significance.

Literature cited by the submitters: PubMed 17576681 (cited by Labcorp Genetics (formerly Invitae), Labcorp); PubMed 9536098 (cited by Labcorp Genetics (formerly Invitae), Labcorp).

NM_001322934.2(NFKB2):c.243+3G>A

Gene: NFKB2 (nuclear factor kappa B subunit 2; plus strand). Cytogenetic location: 10q24.32.
Variant type: single nucleotide variant.
Coding change: c.243+3G>A on transcript NM_001322934.2 (MANE Select); 3 bases into the intron after coding-DNA position 243, G replaced by A.
Molecular consequence: intron variant.
Genome position (GRCh38, 1-based): chr10:102,396,826, G>A. VCF-style: chr10-102396826-G-A. GRCh37 (hg19) VCF-style: chr10-104156583-G-A.
Other names: c.243+3G>A (NM_001288724.1, NM_001322935.1, NM_001077494.3 and 2 more transcripts).
Identifiers: ClinVar variation 1520562 (VCV001520562.7), dbSNP rs547044500, ClinGen allele CA5664492.
Genomic context (GRCh38, chr10:102,396,826, plus strand): 5'-TGGAGGACTGCCCGGTGCCTCCAGTGAGAAGGGCCGAAAGACCTATCCCACTGTCAAGGT[G>A]AGCCAGGATGGTGCTGGAGGGTGGGCTAAGTGGACAGCATGCCCAAGGCCCTGACTGACA-3'